The following is an entry in ClinVar:

NM_000313.4(PROS1):c.469+5G>A

Gene: PROS1 (protein S; minus strand). Cytogenetic location: 3q11.1.
Variant type: single nucleotide variant.
Coding change: c.469+5G>A on transcript NM_000313.4 (MANE Select); 5 bases into the intron after coding-DNA position 469, G replaced by A.
Molecular consequence: intron variant.
Genome position (GRCh38, 1-based): chr3:93,906,016, C>T on the plus strand (G>A on the coding strand, the complement: PROS1 is on the minus strand). VCF-style: chr3-93906016-C-T. GRCh37 (hg19) VCF-style: chr3-93624860-C-T.
Other names: p.?; c.565+5G>A (NM_001314077.2).
Identifiers: ClinVar variation 856936 (VCV000856936.11), dbSNP rs756682607, ClinGen allele CA2503489.

ClinVar aggregate classification (germline): Conflicting classifications of pathogenicity. Review status: criteria provided, conflicting classifications (1 of 4 stars). 3 submissions from 3 submitters: Likely pathogenic (1); Uncertain significance (2). Last evaluated 2025-08-26.

Conditions:
Thrombophilia due to protein S deficiency, autosomal recessive (THPH6). Identifiers: Orphanet 743, MedGen C3281092, MONDO:0013791, OMIM 614514. Disease mechanism: loss of function.
Thrombophilia due to protein S deficiency, autosomal dominant (THPH5). Identifiers: Orphanet 26349, Orphanet 743, MedGen C3278211, MONDO:0012868, OMIM 612336. Disease mechanism: loss of function.

Allele frequency attached by ClinVar (database versions not stated): ExAC 0.00001; gnomAD 0.00001; gnomAD exomes 0.00001.
gnomAD v4.1: 11 of 1,613,988 alleles (0.00068%); highest among the groups gnomAD compares: Middle Eastern, 0.016%; no homozygotes.

Submissions (3):

Mayo Clinic Laboratories, Mayo Clinic
Classification: Likely pathogenic. Last evaluated: 2025-08-26. Review status: criteria provided, single submitter. Criteria: ACMG Guidelines, 2015. Collection method: clinical testing. Allele origin: germline. Observed: 2 variant alleles.
Comment: PP1, PP3, PM2_supporting, PS4

Labcorp Genetics (formerly Invitae), Labcorp
Classification: Uncertain significance for Thrombophilia due to protein S deficiency, autosomal recessive. Last evaluated: 2025-07-23. Review status: criteria provided, single submitter. Criteria: Invitae Variant Classification Sherloc (09022015). Collection method: clinical testing. Allele origin: germline.
Comment: This sequence change falls in intron 5 of the PROS1 gene. It does not directly change the encoded amino acid sequence of the PROS1 protein. It affects a nucleotide within the consensus splice site. This variant is present in population databases (rs756682607, gnomAD 0.002%). This variant has been observed in individual(s) with protein S deficiency (PMID: 7803790, 15712227). ClinVar contains an entry for this variant (Variation ID: 856936). Variants that disrupt the consensus splice site are a relatively common cause of aberrant splicing (PMID: 17576681, 9536098). Studies have shown that this variant is associated with altered splicing resulting in multiple RNA products (PMID: 15712227). In summary, the available evidence is currently insufficient to determine the role of this variant in disease. Therefore, it has been classified as a Variant of Uncertain Significance.

Fulgent Genetics
Classification: Uncertain significance for Thrombophilia due to protein S deficiency, autosomal dominant; Thrombophilia due to protein S deficiency, autosomal recessive. Last evaluated: 2021-10-08. Review status: criteria provided, single submitter. Criteria: ACMG Guidelines, 2015. Collection method: clinical testing. Allele origin: unknown.

Literature cited by the submitters: PubMed 15712227 (cited by Mayo Clinic Laboratories, Mayo Clinic and Labcorp Genetics (formerly Invitae), Labcorp); PubMed 20880255 (cited by Mayo Clinic Laboratories, Mayo Clinic); PubMed 25525159 (cited by Mayo Clinic Laboratories, Mayo Clinic); PubMed 34426522 (cited by Mayo Clinic Laboratories, Mayo Clinic); PubMed 7803790 (cited by Mayo Clinic Laboratories, Mayo Clinic and Labcorp Genetics (formerly Invitae), Labcorp); PubMed 9616157 (cited by Mayo Clinic Laboratories, Mayo Clinic); PubMed 17576681 (cited by Labcorp Genetics (formerly Invitae), Labcorp); PubMed 9536098 (cited by Labcorp Genetics (formerly Invitae), Labcorp).